The following is an entry in ClinVar:

ClinVar aggregate classification (germline): Uncertain significance (1 of 4 stars; one submission).

Allele frequency attached by ClinVar (database versions not stated): gnomAD exomes below 0.00001; TOPMed below 0.00001.
gnomAD v4.1: 1 of 1,565,608 alleles (0.000064%); highest among the groups gnomAD compares: Non-Finnish European, 0.000086%; no homozygotes.

Submission:

Labcorp Genetics (formerly Invitae), Labcorp
Classification: Uncertain significance. Last evaluated: 2022-05-17. Review status: criteria provided, single submitter. Criteria: Invitae Variant Classification Sherloc (09022015). Collection method: clinical testing. Allele origin: germline.
Comment: This variant has not been reported in the literature in individuals affected with PHIP-related conditions. This variant is not present in population databases (gnomAD no frequency). This sequence change falls in intron 35 of the PHIP gene. It does not directly change the encoded amino acid sequence of the PHIP protein. It affects a nucleotide within the consensus splice site. Variants that disrupt the consensus splice site are a relatively common cause of aberrant splicing (PMID: 17576681, 9536098). Algorithms developed to predict the effect of sequence changes on RNA splicing suggest that this variant is not likely to affect RNA splicing. In summary, the available evidence is currently insufficient to determine the role of this variant in disease. Therefore, it has been classified as a Variant of Uncertain Significance.

Literature cited by the submitters: PubMed 17576681; PubMed 9536098.

NM_017934.7(PHIP):c.4053+6T>C

Genes: IRAK1BP1 (interleukin 1 receptor associated kinase 1 binding protein 1; plus strand), PHIP (PHIP subunit of CUL4-Ring ligase complex; minus strand). Cytogenetic location: 6q14.1.
Variant type: single nucleotide variant.
Coding change: c.4053+6T>C on transcript NM_017934.7 (MANE Select); 6 bases into the intron after coding-DNA position 4053, T replaced by C.
Molecular consequence: intron variant.
Genome position (GRCh38, 1-based): chr6:78,954,808, A>G on the plus strand (T>C on the coding strand, the complement: PHIP is on the minus strand). VCF-style: chr6-78954808-A-G. GRCh37 (hg19) VCF-style: chr6-79664525-A-G.
Identifiers: ClinVar variation 1992480 (VCV001992480.4), dbSNP rs1766306517, ClinGen allele CA1640378299.
Genomic context (GRCh38, chr6:78,954,808, plus strand): 5'-CCAACTGTCATGTAAAAGGTATGTAGCAAACTGACAGGTAAAGAAAATATTTTCAAAAAT[A>G]CTTACTGGATATTCAAGGAGATCTACCGGCTGACGGAAAGGCTCTGAATCTTCACATTGA-3'